The following is an entry in ClinVar:

NM_032043.3(BRIP1):c.2575+1G>A

Gene: BRIP1 (BRCA1 interacting DNA helicase 1; minus strand). Cytogenetic location: 17q23.2.
Variant type: single nucleotide variant.
Coding change: c.2575+1G>A on transcript NM_032043.3 (MANE Select); the canonical splice donor site of the intron after coding-DNA position 2575, G replaced by A.
Molecular consequence: splice donor variant.
Genome position (GRCh38, 1-based): chr17:61,693,429, C>T on the plus strand (G>A on the coding strand, the complement: BRIP1 is on the minus strand). VCF-style: chr17-61693429-C-T. GRCh37 (hg19) VCF-style: chr17-59770790-C-T.
Identifiers: ClinVar variation 584464 (VCV000584464.4), dbSNP rs1567737536, ClinGen allele CA400482297.

ClinVar aggregate classification (germline): Likely pathogenic. Review status: criteria provided, multiple submitters, no conflicts (2 of 4 stars). 2 submissions from 2 submitters: Likely pathogenic (2). Last evaluated 2023-06-07.

Conditions:
Familial cancer of breast. Also called: Hereditary breast cancer; hereditary breast carcinoma; BREAST CANCER, FAMILIAL. Identifiers: Orphanet 227535, MedGen C0346153, MONDO:0016419, OMIM 114480. Disease mechanism: loss of function.

Submissions (2):

Myriad Genetics, Inc.
Classification: Likely pathogenic for Familial cancer of breast. Last evaluated: 2023-06-07. Review status: criteria provided, single submitter. Criteria: Myriad Autosomal Dominant, Autosomal Recessive and X-Linked Classification Criteria (2023). Collection method: clinical testing. Allele origin: unknown.
Comment: This variant is considered likely pathogenic. This variant occurs within a consensus splice junction and is predicted to result in abnormal mRNA splicing of either an out-of-frame exon or an in-frame exon necessary for protein stability and/or normal function.

GeneKor MSA
Classification: Likely pathogenic. Last evaluated: 2020-01-01. Review status: criteria provided, single submitter. Criteria: ACMG Guidelines, 2015. Collection method: clinical testing. Allele origin: germline.
Comment: This sequence change occurs 1 nucleotides after exon 18 of the BRIP1 gene. This position is highly conserved in the human and other genomes and is crucial in mRNA processing. This variant is expected to disrupt RNA splicing and likely results in an absent or disrupted protein product. Truncating variants in BRIP1 are known to be pathogenic (PMID: 16116423, 17033622, 21964575). Also, donor and acceptor splice site variants as usual lead to a loss of protein function (PMID: 16199547). This variant has been described in the international literature in an individual undergoing panel testing for hereditary syndrome (PMID: 31159747).